The following is an entry in ClinVar:

NM_003001.5(SDHC):c.105A>C (p.Lys35Asn)

Gene: SDHC (succinate dehydrogenase complex subunit C; plus strand). Cytogenetic location: 1q23.3.
Variant type: single nucleotide variant.
Coding change: c.105A>C on transcript NM_003001.5 (MANE Select); coding-DNA position 105, A replaced by C.
Protein change: p.Lys35Asn; replaces lysine 35 with asparagine.
Molecular consequence: missense variant. On other transcripts: 5 prime UTR variant (2), non-coding transcript variant (1), intron variant (4).
Genome position (GRCh38, 1-based): chr1:161,328,423, A>C. VCF-style: chr1-161328423-A-C. GRCh37 (hg19) VCF-style: chr1-161298213-A-C.
Other names: c.105A>C, p.Lys35Asn (NM_001035511.3, NM_001407115.1); c.48A>C, p.Lys16Asn (NM_001407116.1, NM_001407117.1, NM_001407121.1); c.-7A>C (NM_001407119.1, NM_001407120.1); c.77+4753A>C (NM_001035512.3, NM_001278172.3, NM_001407118.1); c.21-12171A>C (NM_001035513.3); short protein forms K16N, K35N.
Identifiers: ClinVar variation 2944331 (VCV002944331.3), dbSNP rs2526364324, ClinGen allele CA343360956.

ClinVar aggregate classification (germline): Uncertain significance (1 of 4 stars; one submission).

Conditions:
Gastrointestinal stromal tumor. Also called: Gastrointestinal stromal tumor, somatic; Gastrointestinal stroma tumor. Identifiers: Orphanet 44890, MedGen C0238198, MeSH D046152, MONDO:0011719, OMIM 606764, HP:0100723.
Pheochromocytoma/paraganglioma syndrome 3. Also called: GLOMUS TUMORS, FAMILIAL, 3; Paragangliomas 3; SDHC-Related Hereditary Paraganglioma-Pheochromocytoma Syndrome (Paragangliomas 3); SDHC-Related Hereditary Paraganglioma-Pheochromocytoma Syndrome. Identifiers: Orphanet 29072, MedGen C1854336, MONDO:0011544, OMIM 605373.

Submission:

Labcorp Genetics (formerly Invitae), Labcorp
Classification: Uncertain significance for Pheochromocytoma/paraganglioma syndrome 3; Gastrointestinal stromal tumor. Last evaluated: 2024-11-11. Review status: criteria provided, single submitter. Criteria: Invitae Variant Classification Sherloc (09022015). Collection method: clinical testing. Allele origin: germline.
Comment: This sequence change replaces lysine, which is basic and polar, with asparagine, which is neutral and polar, at codon 35 of the SDHC protein (p.Lys35Asn). This variant is not present in population databases (gnomAD no frequency). This variant has not been reported in the literature in individuals affected with SDHC-related conditions. ClinVar contains an entry for this variant (Variation ID: 2944331). An algorithm developed to predict the effect of missense changes on protein structure and function (PolyPhen-2) suggests that this variant is likely to be tolerated. In summary, the available evidence is currently insufficient to determine the role of this variant in disease. Therefore, it has been classified as a Variant of Uncertain Significance.